The following is an entry in ClinVar:

ClinVar aggregate classification (germline): Uncertain significance (1 of 4 stars; one submission).

Submission:

Labcorp Genetics (formerly Invitae), Labcorp
Classification: Uncertain significance. Last evaluated: 2021-11-08. Review status: criteria provided, single submitter. Criteria: Invitae Variant Classification Sherloc (09022015). Collection method: clinical testing. Allele origin: germline.
Comment: In summary, the available evidence is currently insufficient to determine the role of this variant in disease. Therefore, it has been classified as a Variant of Uncertain Significance. Experimental studies and prediction algorithms are not available or were not evaluated, and the functional significance of this variant is currently unknown. ClinVar contains an entry for this variant (Variation ID: 959695). This variant has not been reported in the literature in individuals affected with MSH3-related conditions. This variant is not present in population databases (gnomAD no frequency). This variant, c.1188_1189insTGT, results in the insertion of 1 amino acid(s) of the MSH3 protein (p.Ala396_Thr397insCys), but otherwise preserves the integrity of the reading frame.

NM_002439.5(MSH3):c.1188_1189insTGT (p.Ala396_Thr397insCys)

Gene: MSH3 (mutS homolog 3; plus strand). Cytogenetic location: 5q14.1.
Variant type: Insertion.
Coding change: c.1188_1189insTGT on transcript NM_002439.5 (MANE Select); coding-DNA positions 1188 to 1189, TGT inserted.
Protein change: p.Ala396_Thr397insCys.
Molecular consequence: inframe insertion.
Genome position: GRCh38 VCF-style: chr5-80678941-C-CTGT. GRCh37 (hg19) VCF-style: chr5-79974760-C-CTGT.
Identifiers: ClinVar variation 959695 (VCV000959695.7), dbSNP rs1749902347, ClinGen allele CA1139658928.
Genomic context (GRCh38, chr5:80,678,941, plus strand): 5'-GGGAAATACATTTTTTCTGTAACATTATATTTGTATTTGTTTTTAGGGAGTGCAGCCTGC[C>CTGT]ACAGGCGAGGTTGTGTTTGATAGTTTCCAGGACTCTGCTTCTCGTTCAGAGCTAGAAACC-3'